The following is an entry in ClinVar:

NM_007078.3(LDB3):c.1719A>G (p.Glu573=)

Gene: LDB3 (LIM domain binding 3; plus strand). Cytogenetic location: 10q23.2.
Variant type: single nucleotide variant.
Coding change: c.1719A>G on transcript NM_007078.3 (MANE Select); coding-DNA position 1719, A replaced by G.
Protein change: p.Glu573=; no amino-acid change (glutamic acid 573 retained).
Molecular consequence: synonymous variant.
Genome position (GRCh38, 1-based): chr10:86,718,006, A>G. VCF-style: chr10-86718006-A-G. GRCh37 (hg19) VCF-style: chr10-88477763-A-G.
Other names: c.1389A>G, p.Glu463= (NM_001080114.2); c.1734A>G, p.Glu578= (NM_001171610.2); c.1530A>G, p.Glu510= (NM_001368064.1, NM_001368065.1); c.1578A>G, p.Glu526= (NM_001368066.1).
Identifiers: ClinVar variation 3698037 (VCV003698037.2).

ClinVar aggregate classification (germline): Uncertain significance (1 of 4 stars; one submission).

Conditions:
Myofibrillar myopathy 4. Also called: Zaspopathy (type). Identifiers: Orphanet 98912, MedGen C4721886, MONDO:0012277, OMIM 609452.

Submission:

Labcorp Genetics (formerly Invitae), Labcorp
Classification: Uncertain significance for Myofibrillar myopathy 4. Last evaluated: 2024-08-27. Review status: criteria provided, single submitter. Criteria: Invitae Variant Classification Sherloc (09022015). Collection method: clinical testing. Allele origin: germline.
Comment: The LDB3 gene has multiple clinically relevant transcripts. This variant occurs in alternate transcript NM_007078.3, and corresponds to NM_001080116.1:c.*18632A>G in the primary transcript. This sequence change affects codon 573 of the LDB3 mRNA. It is a 'silent' change, meaning that it does not change the encoded amino acid sequence of the LDB3 protein. This variant is not present in population databases (gnomAD no frequency). This variant has not been reported in the literature in individuals affected with LDB3-related conditions. Experimental studies and prediction algorithms are not available or were not evaluated, and the effect of this variant on mRNA splicing is currently unknown. In summary, the available evidence is currently insufficient to determine the role of this variant in disease. Therefore, it has been classified as a Variant of Uncertain Significance.